The following is an entry in ClinVar:

NM_002691.4(POLD1):c.2717+11G>A

Gene: POLD1 (DNA polymerase delta 1, catalytic subunit; plus strand). Cytogenetic location: 19q13.33.
Variant type: single nucleotide variant.
Coding change: c.2717+11G>A on transcript NM_002691.4 (MANE Select); 11 bases into the intron after coding-DNA position 2717, G replaced by A.
Molecular consequence: intron variant.
Genome position (GRCh38, 1-based): chr19:50,415,601, G>A. VCF-style: chr19-50415601-G-A. GRCh37 (hg19) VCF-style: chr19-50918858-G-A.
Other names: c.2717+11G>A (LRG_785t1, NM_001256849.1); c.2795+11G>A (LRG_785t2, NM_001308632.1).
Identifiers: ClinVar variation 422715 (VCV000422715.12), dbSNP rs753506843, ClinGen allele CA9596623.

ClinVar aggregate classification (germline): Conflicting classifications of pathogenicity. Review status: criteria provided, conflicting classifications (1 of 4 stars). 4 submissions from 4 submitters: Uncertain significance (1); Likely benign (3). Last evaluated 2025-12-17.

Conditions:
POLD1-related polyposis and colorectal cancer syndrome (CRCS10). Also called: Colorectal cancer 10; COLORECTAL CANCER, SUSCEPTIBILITY TO, ON CHROMOSOME 19q; Colorectal cancer, susceptibility to, 10. Identifiers: Orphanet 220460, MedGen C2675481, MONDO:0012953, OMIM 612591.

Allele frequency attached by ClinVar (database versions not stated): gnomAD exomes below 0.00001 and 0.00002; TOPMed below 0.00001; ExAC 0.00001.
gnomAD v4.1: 33 of 1,608,256 alleles (0.0021%); highest among the groups gnomAD compares: Non-Finnish European, 0.0028%; no homozygotes.

Submissions (4):

Women's Health and Genetics/Laboratory Corporation of America, LabCorp
Classification: Likely benign. Last evaluated: 2025-12-17. Review status: criteria provided, single submitter. Criteria: LabCorp Variant Classification Summary - May 2015. Collection method: clinical testing. Allele origin: germline.
Comment: Variant summary: POLD1 c.2717+11G>A alters a nucleotide located at a position not widely known to affect splicing. Consensus agreement among computation tools predict no significant impact on normal splicing. However, these predictions have yet to be confirmed by functional studies. The variant allele was found at a frequency of 4.2e-06 in 239890 control chromosomes. The available data on variant occurrences in the general population are insufficient to allow any conclusion about variant significance. To our knowledge, no occurrence of c.2717+11G>A in individuals affected with POLD1-related conditions and no experimental evidence demonstrating its impact on protein function have been reported. ClinVar contains an entry for this variant (Variation ID: 422715). Based on the evidence outlined above, the variant was classified as likely benign.

Labcorp Genetics (formerly Invitae), Labcorp
Classification: Likely benign for POLD1-related polyposis and colorectal cancer syndrome. Last evaluated: 2025-10-23. Review status: criteria provided, single submitter. Criteria: Invitae Variant Classification Sherloc (09022015). Collection method: clinical testing. Allele origin: germline.

GeneDx
Classification: Uncertain significance. Last evaluated: 2018-02-13. Review status: criteria provided, single submitter. Criteria: GeneDx Variant Classification (06012015). Collection method: clinical testing. Allele origin: germline. Affected: yes.
Comment: This variant is denoted POLD1 c.2717+11G>A or IVS21+11G>A and consists of a G>A nucleotide substitution at the +11 position of intron 21 of the POLD1 gene. This variant has not, to our knowledge, been published in the literature as pathogenic or benign. POLD1 c.2717+11G>A was not observed in approximately 6,500 individuals of European and African American ancestry in the NHLBI Exome Sequencing Project, suggesting it is not a common benign variant in these populations. The guanine (G) nucleotide that is altered is not conserved across species. In silico splicing models are uninformative; therefore, in the absence of RNA or functional studies, the actual effect of this variant is unknown. Based on currently available information, it is unclear whether POLD1 c.2717+11G>A is pathogenic or benign. We consider it to be a variant of uncertain significance.

PreventionGenetics, part of Exact Sciences
Classification: Likely benign. Last evaluated: 2017-05-30. Review status: criteria provided, single submitter. Criteria: ACMG Guidelines, 2015. Collection method: clinical testing. Allele origin: germline.